The following is an entry in ClinVar:

ClinVar aggregate classification (germline): Pathogenic (1 of 4 stars; one submission).

Conditions:
Desbuquois dysplasia 1 (DBQD1). Also called: DESBUQUOIS DYSPLASIA 1, KIM VARIANT; MICROMELIC DWARFISM WITH VERTEBRAL AND METAPHYSEAL ABNORMALITIES AND ADVANCED CARPOTARSAL OSSIFICATION. Identifiers: Orphanet 1425, MedGen C4012146, MONDO:0009629, OMIM 251450.

Submission:

Labcorp Genetics (formerly Invitae), Labcorp
Classification: Pathogenic for Desbuquois dysplasia 1. Last evaluated: 2022-07-12. Review status: criteria provided, single submitter. Criteria: Invitae Variant Classification Sherloc (09022015). Collection method: clinical testing. Allele origin: germline.
Comment: For these reasons, this variant has been classified as Pathogenic. This variant has not been reported in the literature in individuals affected with XYLT1-related conditions. This variant is a gross deletion of the genomic region encompassing exon(s) 1 of the XYLT1 gene, which includes the initiator codon. This deletion extends beyond the assayed region for this gene and therefore may encompass additional genes. It is expected to result in an absent or disrupted protein product. Loss-of-function variants in XYLT1 are known to be pathogenic (PMID: 24581741, 26601923).

Literature cited by the submitters: PubMed 24581741; PubMed 26601923.

NC_000016.9:g.(?_17564281)_(17564653_?)del

Gene: XYLT1 (xylosyltransferase 1; minus strand). Cytogenetic location: 16p12.3.
Variant type: Deletion.
Identifiers: ClinVar variation 1073304 (VCV001073304.6).